The following is an entry in ClinVar:

NM_058216.3(RAD51C):c.622_623del (p.Ile208fs)

Genes: RAD51C (RAD51 paralog C; plus strand), LOC129390903 (MPRA-validated peak2919 silencer; plus strand). Cytogenetic location: 17q22.
Variant type: Microsatellite.
Coding change: c.622_623del on transcript NM_058216.3 (MANE Select); coding-DNA positions 622 to 623, 2 bases deleted (AT; older notation c.622_623delAT).
Protein change: p.Ile208fs; shifts the reading frame from isoleucine 208.
Molecular consequence: frameshift variant. On other transcripts: non-coding transcript variant (1).
Genome position (GRCh38, 1-based): chr17:58,703,246-58,703,247, AT deleted; deleting any 2 consecutive bases within chr17:58,703,244-58,703,247 gives the same sequence; the c. name uses the placement nearest the transcript's 3' end. VCF-style (leftmost placement, unchanged base first): chr17-58703243-CAT-C. GRCh37 (hg19) VCF-style: chr17-56780604-CAT-C.
Other names: short protein forms I208fs.
Identifiers: ClinVar variation 232018 (VCV000232018.17), dbSNP rs876659497, ClinGen allele CA8677282.

ClinVar aggregate classification (germline): Pathogenic. Review status: criteria provided, multiple submitters, no conflicts (2 of 4 stars). 5 submissions from 5 submitters: Pathogenic (5). Last evaluated 2026-05-13.

Conditions:
Fanconi anemia complementation group O. Also called: RAD51C-Related Fanconi Anemia. Identifiers: Orphanet 84, MedGen C3150653, MONDO:0013248, OMIM 613390.
Breast-ovarian cancer, familial, susceptibility to, 3. Also called: RAD51C-Related Breast/Ovarian Cancer. Identifiers: Orphanet 145, MedGen C3150659, MONDO:0013253, OMIM 613399.
Hereditary cancer-predisposing syndrome. Also called: Neoplastic Syndromes, Hereditary; Hereditary Cancer Syndrome; Tumor predisposition; Hereditary neoplastic syndrome. Identifiers: Orphanet 140162, MedGen C0027672, MeSH D009386, MONDO:0015356.

Submissions (5):

Ambry Genetics
Classification: Pathogenic for Hereditary cancer-predisposing syndrome. Last evaluated: 2026-05-13. Review status: criteria provided, single submitter. Criteria: Ambry Variant Classification Scheme 2023. Collection method: clinical testing. Allele origin: germline.
Comment: The c.622_623delAT pathogenic mutation, located in coding exon 4 of the RAD51C gene, results from a deletion of two nucleotides at nucleotide positions 622 to 623, causing a translational frameshift with a predicted alternate stop codon (p.I208Lfs*7). This alteration is expected to result in loss of function by premature protein truncation or nonsense-mediated mRNA decay. As such, this alteration is interpreted as a disease-causing mutation.

Baylor Genetics
Classification: Pathogenic for Breast-ovarian cancer, familial, susceptibility to, 3. Last evaluated: 2024-01-05. Review status: criteria provided, single submitter. Criteria: ACMG Guidelines, 2015. Collection method: clinical testing. Allele origin: unknown.

Myriad Genetics, Inc.
Classification: Pathogenic for Breast-ovarian cancer, familial, susceptibility to, 3. Last evaluated: 2024-01-03. Review status: criteria provided, single submitter. Criteria: Myriad Autosomal Dominant, Autosomal Recessive and X-Linked Classification Criteria (2023). Collection method: clinical testing. Allele origin: unknown.
Comment: This variant is considered pathogenic. This variant creates a frameshift predicted to result in premature protein truncation.

Labcorp Genetics (formerly Invitae), Labcorp
Classification: Pathogenic for Fanconi anemia complementation group O. Last evaluated: 2023-07-28. Review status: criteria provided, single submitter. Criteria: Invitae Variant Classification Sherloc (09022015). Collection method: clinical testing. Allele origin: germline.
Comment: For these reasons, this variant has been classified as Pathogenic. This sequence change creates a premature translational stop signal (p.Ile208Leufs*7) in the RAD51C gene. It is expected to result in an absent or disrupted protein product. Loss-of-function variants in RAD51C are known to be pathogenic (PMID: 20400964, 21990120, 24800917, 29278735). This premature translational stop signal has been observed in individual(s) with personal or family histories of breast and/or ovarian cancer (PMID: 24549055, 29255180). This variant is present in population databases (rs765883905, gnomAD 0.003%).

Hereditary Cancer Group, L’Institut d'Investigació Biomèdica de Bellvitge
Classification: Pathogenic for Breast-ovarian cancer, familial, susceptibility to, 3. Last evaluated: 2021-05-03. Review status: criteria provided, single submitter. Criteria: ACMG Guidelines, 2015. Collection method: curation. Allele origin: germline.

Literature cited by the submitters: PubMed 20400964 (cited by Labcorp Genetics (formerly Invitae), Labcorp); PubMed 21990120 (cited by Labcorp Genetics (formerly Invitae), Labcorp); PubMed 24800917 (cited by Labcorp Genetics (formerly Invitae), Labcorp); PubMed 29278735 (cited by Labcorp Genetics (formerly Invitae), Labcorp); PubMed 24549055 (cited by Labcorp Genetics (formerly Invitae), Labcorp); PubMed 29255180 (cited by Labcorp Genetics (formerly Invitae), Labcorp and Hereditary Cancer Group, L’Institut d'Investigació Biomèdica de Bellvitge).